The following is an entry in ClinVar:

ClinVar aggregate classification (germline): Uncertain significance (1 of 4 stars; one submission).

Submission:

GeneDx
Classification: Uncertain significance. Last evaluated: 2021-12-07. Review status: criteria provided, single submitter. Criteria: GeneDx Variant Classification Process June 2021. Collection method: clinical testing. Allele origin: germline. Affected: yes.
Comment: Not observed at significant frequency in large population cohorts (gnomAD); In silico analysis supports that this missense variant does not alter protein structure/function; Has not been previously published as pathogenic or benign to our knowledge

NM_002249.6(KCNN3):c.591C>G (p.Asn197Lys)

Gene: KCNN3 (potassium calcium-activated channel subfamily N member 3; minus strand). Cytogenetic location: 1q21.3.
Variant type: single nucleotide variant.
Coding change: c.591C>G on transcript NM_002249.6 (MANE Select); coding-DNA position 591, C replaced by G.
Protein change: p.Asn197Lys; replaces asparagine 197 with lysine.
Molecular consequence: missense variant.
Genome position (GRCh38, 1-based): chr1:154,869,374, G>C on the plus strand (C>G on the coding strand, the complement: KCNN3 is on the minus strand). VCF-style: chr1-154869374-G-C. GRCh37 (hg19) VCF-style: chr1-154841850-G-C.
Other names: c.591C>G, p.Asn197Lys (NM_001204087.2); short protein forms N197K.
Identifiers: ClinVar variation 1691669 (VCV001691669.3), dbSNP rs1653083052, ClinGen allele CA342632879.